The following is an entry in ClinVar:

ClinVar aggregate classification (germline): Uncertain significance (1 of 4 stars; one submission).

gnomAD v4.1: 10 of 569,030 alleles (0.0018%); highest among the groups gnomAD compares: East Asian, 0.0059%; no homozygotes.

Submission:

Ambry Genetics
Classification: Uncertain significance. Last evaluated: 2025-04-18. Review status: criteria provided, single submitter. Criteria: Ambry Variant Classification Scheme 2023. Collection method: clinical testing. Allele origin: germline.
Comment: The p.R2171W variant (also known as c.6511C>T), located in coding exon 27 of the WNK2 gene, results from a C to T substitution at nucleotide position 6511. The arginine at codon 2171 is replaced by tryptophan, an amino acid with dissimilar properties. This amino acid position is conserved. In addition, this alteration is predicted to be tolerated by in silico analysis. Based on the available evidence, the clinical significance of this variant remains unclear.

NM_006648.4(WNK2):c.6511C>T (p.Arg2171Trp)

Gene: WNK2 (WNK lysine deficient protein kinase 2; plus strand). Cytogenetic location: 9q22.31.
Variant type: single nucleotide variant.
Coding change: c.6511C>T on transcript NM_006648.4 (MANE Select); coding-DNA position 6511, C replaced by T.
Protein change: p.Arg2171Trp; replaces arginine 2171 with tryptophan.
Molecular consequence: missense variant.
Genome position (GRCh38, 1-based): chr9:93,308,579, C>T. VCF-style: chr9-93308579-C-T. GRCh37 (hg19) VCF-style: chr9-96070861-C-T.
Other names: c.6622C>T, p.Arg2208Trp (NM_001282394.3); short protein forms R2171W, R2208W.
Identifiers: ClinVar variation 3981909 (VCV003981909.1).
Genomic context (GRCh38, chr9:93,308,579, plus strand): 5'-CAGACCCAGAAGCTGCAAGACATGGAGGCCCAGGCAGGCTGGGCTGCCCCTGGCGAGGCG[C>T]GGGCTGTGAGTGCGGGGCGGGTGGGGCGGGTGCTCCTGGGGTGGGGTAGCCTTGCCTCCA-3'
Protein context (NP_006639.3, residues 2161-2181): QAGWAAPGEA[Arg2171Trp]AMTAPRAGVG